The following is an entry in ClinVar:

ClinVar aggregate classification (germline): Uncertain significance (1 of 4 stars; one submission).

Conditions:
Nemaline myopathy 2 (NEM2). Also called: Nemaline myopathy 2, autosomal recessive. Identifiers: MedGen C1850569, MONDO:0009725, OMIM 256030.

gnomAD v4.1: 1 of 1,581,312 alleles (0.000063%); highest among the groups gnomAD compares: Non-Finnish European, 0.000087%; no homozygotes.

Submission:

Labcorp Genetics (formerly Invitae), Labcorp
Classification: Uncertain significance for Nemaline myopathy 2. Last evaluated: 2022-06-15. Review status: criteria provided, single submitter. Criteria: Invitae Variant Classification Sherloc (09022015). Collection method: clinical testing. Allele origin: germline.
Comment: This sequence change replaces valine, which is neutral and non-polar, with phenylalanine, which is neutral and non-polar, at codon 6288 of the NEB protein (p.Val6288Phe). This variant is not present in population databases (gnomAD no frequency). This variant has not been reported in the literature in individuals affected with NEB-related conditions. Algorithms developed to predict the effect of missense changes on protein structure and function are either unavailable or do not agree on the potential impact of this missense change (SIFT: "Deleterious"; PolyPhen-2: "Not Available"; Align-GVGD: "Class C0"). In summary, the available evidence is currently insufficient to determine the role of this variant in disease. Therefore, it has been classified as a Variant of Uncertain Significance.

NM_001164508.2(NEB):c.18862G>T (p.Val6288Phe)

Gene: NEB (nebulin; minus strand). Cytogenetic location: 2q23.3.
Variant type: single nucleotide variant.
Coding change: c.18862G>T on transcript NM_001164508.2 (MANE Select); coding-DNA position 18862, G replaced by T.
Protein change: p.Val6288Phe; replaces valine 6288 with phenylalanine.
Molecular consequence: missense variant.
Genome position (GRCh38, 1-based): chr2:151,562,640, C>A on the plus strand (G>T on the coding strand, the complement: NEB is on the minus strand). VCF-style: chr2-151562640-C-A. GRCh37 (hg19) VCF-style: chr2-152419154-C-A.
Other names: c.18862G>T, p.Val6288Phe (NM_001164507.2, NM_001271208.2); c.13759G>T, p.Val4587Phe (NM_004543.5); short protein forms V6288F, V4587F.
Identifiers: ClinVar variation 2006937 (VCV002006937.1), dbSNP rs201886728, ClinGen allele CA348797379.
Genomic context (GRCh38, chr2:151,562,640, plus strand): 5'-GCTGAGTCAAGCTGCAGAAGGGACATCATACATCACTCAAGATCTCCTGGGCGTTTCGGA[C>A]GCGTATAACATTGGGTTCTTCCAGAAGAGACGTCCACTGGTGGAAATAGTGTCGATACTC-3'
Protein context (NP_001157980.2, residues 6278-6298): SLLEEPNVIR[Val6288Phe]RNAQEILSDN